The following is an entry in ClinVar:

NM_004727.3(SLC24A1):c.495G>T (p.Lys165Asn)

Gene: SLC24A1 (solute carrier family 24 member 1; plus strand). Cytogenetic location: 15q22.31.
Variant type: single nucleotide variant.
Coding change: c.495G>T on transcript NM_004727.3 (MANE Select); coding-DNA position 495, G replaced by T.
Protein change: p.Lys165Asn; replaces lysine 165 with asparagine.
Molecular consequence: missense variant.
Genome position (GRCh38, 1-based): chr15:65,624,575, G>T. VCF-style: chr15-65624575-G-T. GRCh37 (hg19) VCF-style: chr15-65916913-G-T.
Other names: c.495G>T, p.Lys165Asn (NM_001301031.1, NM_001301032.1, NM_001301033.2); short protein forms K165N.
Identifiers: ClinVar variation 847684 (VCV000847684.10), dbSNP rs780182568, ClinGen allele CA7619757.
Genomic context (GRCh38, chr15:65,624,575, plus strand): 5'-AACATCCAGTAGAACACTGACTTACTACACCTCAACTTCAAGCAGACAAATAGTAAAAAA[G>T]TATACCCCAACACCCAGGGGAGAAATGAAGAGCTACAGCCCAACTCAAGTGAGGGAAAAG-3'
Protein context (NP_004718.1, residues 155-175): TSTSSRQIVK[Lys165Asn]YTPTPRGEMK

ClinVar aggregate classification (germline): Uncertain significance (1 of 4 stars; one submission).

Allele frequency attached by ClinVar (database versions not stated): gnomAD exomes 0.00002; ExAC 0.00005.
gnomAD v4.1: 8 of 1,594,752 alleles (0.0005%); highest among the groups gnomAD compares: South Asian, 0.0068%; no homozygotes.

Submission:

Labcorp Genetics (formerly Invitae), Labcorp
Classification: Uncertain significance. Last evaluated: 2019-12-28. Review status: criteria provided, single submitter. Criteria: Invitae Variant Classification Sherloc (09022015). Collection method: clinical testing. Allele origin: germline.
Comment: In summary, the available evidence is currently insufficient to determine the role of this variant in disease. Therefore, it has been classified as a Variant of Uncertain Significance. Algorithms developed to predict the effect of missense changes on protein structure and function output the following: SIFT: "Tolerated"; PolyPhen-2: "Benign"; Align-GVGD: "Class C0". The asparagine amino acid residue is found in multiple mammalian species, suggesting that this missense change does not adversely affect protein function. These predictions have not been confirmed by published functional studies and their clinical significance is uncertain. This variant has not been reported in the literature in individuals with SLC24A1-related conditions. This variant is present in population databases (rs780182568, ExAC 0.03%). This sequence change replaces lysine with asparagine at codon 165 of the SLC24A1 protein (p.Lys165Asn). The lysine residue is weakly conserved and there is a moderate physicochemical difference between lysine and asparagine.